The following is an entry in ClinVar:

NM_020822.3(KCNT1):c.811G>A (p.Val271Ile)

Gene: KCNT1 (potassium sodium-activated channel subfamily T member 1; plus strand). Cytogenetic location: 9q34.3.
Variant type: single nucleotide variant.
Coding change: c.811G>A on transcript NM_020822.3 (MANE Select); coding-DNA position 811, G replaced by A.
Protein change: p.Val271Ile; replaces valine 271 with isoleucine.
Molecular consequence: missense variant.
Genome position (GRCh38, 1-based): chr9:135,758,465, G>A. VCF-style: chr9-135758465-G-A. GRCh37 (hg19) VCF-style: chr9-138650311-G-A.
Other names: c.667G>A, p.Val223Ile (NM_001272003.2); short protein forms V271I, V223I.
Identifiers: ClinVar variation 4783334 (VCV004783334.1).

ClinVar aggregate classification (germline): Uncertain significance (1 of 4 stars; one submission).

Conditions:
Autosomal dominant nocturnal frontal lobe epilepsy 5. Also called: CILIARY DYSKINESIA, PRIMARY, 28, WITHOUT SITUS INVERSUS; CILIARY DYSKINESIA, PRIMARY, 28, WITH SITUS INVERSUS; KCNT1-Related Epilepsy; Epilepsy, nocturnal frontal lobe, 5. Identifiers: Orphanet 98784, MedGen C3554306, MONDO:0014002, OMIM 615005.
Developmental and epileptic encephalopathy, 14 (DEE14). Also called: Early infantile epileptic encephalopathy 14. Identifiers: Orphanet 293181, MedGen C3554195, MONDO:0013989, OMIM 614959.

Submission:

Labcorp Genetics (formerly Invitae), Labcorp
Classification: Uncertain significance for Autosomal dominant nocturnal frontal lobe epilepsy 5; Developmental and epileptic encephalopathy, 14. Last evaluated: 2025-08-09. Review status: criteria provided, single submitter. Criteria: Invitae Variant Classification Sherloc (09022015). Collection method: clinical testing. Allele origin: germline.
Comment: This sequence change replaces valine, which is neutral and non-polar, with isoleucine, which is neutral and non-polar, at codon 271 of the KCNT1 protein (p.Val271Ile). This variant is not present in population databases (gnomAD no frequency). This missense change has been observed in individual(s) with clinical features of developmental and epileptic encephalopathy (internal data). Invitae Evidence Modeling of protein sequence and biophysical properties (such as structural, functional, and spatial information, amino acid conservation, physicochemical variation, residue mobility, and thermodynamic stability) indicates that this missense variant is not expected to disrupt KCNT1 protein function with a negative predictive value of 80%. This variant disrupts the p.Val271 amino acid residue in KCNT1. Other variant(s) that disrupt this residue have been determined to be pathogenic (PMID: 23599387, 27779742, 33176815, 37177976). This suggests that this residue is clinically significant, and that variants that disrupt this residue are likely to be disease-causing. In summary, the available evidence is currently insufficient to determine the role of this variant in disease. Therefore, it has been classified as a Variant of Uncertain Significance.

Literature cited by the submitters: PubMed 23599387; PubMed 27779742; PubMed 33176815; PubMed 37177976.